The following is an entry in ClinVar:

ClinVar aggregate classification (germline): Conflicting classifications of pathogenicity. Review status: criteria provided, conflicting classifications (1 of 4 stars). 2 submissions from 2 submitters: Uncertain significance (1); Likely benign (1). Last evaluated 2025-12-30.

Conditions:
TTLL5-related disorder. Also called: TTLL5-related condition.

Allele frequency attached by ClinVar (database versions not stated): TOPMed 0.00006.
gnomAD v4.1: 8 of 1,612,352 alleles (0.0005%); highest among the groups gnomAD compares: African/African-American, 0.011%; no homozygotes.

Submissions (2):

PreventionGenetics, part of Exact Sciences
Classification: Likely benign for TTLL5-related condition. Last evaluated: 2025-12-30. Review status: criteria provided, single submitter. Criteria: ACMG Guidelines, 2015. Collection method: clinical testing. Allele origin: germline.
Comment: This variant is classified as likely benign based on ACMG/AMP sequence variant interpretation guidelines (Richards et al. 2015 PMID: 25741868, with internal and published modifications).

Labcorp Genetics (formerly Invitae), Labcorp
Classification: Uncertain significance. Last evaluated: 2020-03-16. Review status: criteria provided, single submitter. Criteria: Invitae Variant Classification Sherloc (09022015). Collection method: clinical testing. Allele origin: germline.
Comment: In summary, the available evidence is currently insufficient to determine the role of this variant in disease. Therefore, it has been classified as a Variant of Uncertain Significance. Nucleotide substitutions within the consensus splice site are a relatively common cause of aberrant splicing (PMID: 17576681, 9536098). Algorithms developed to predict the effect of sequence changes on RNA splicing suggest that this variant may disrupt the consensus splice site, but this prediction has not been confirmed by published transcriptional studies. This variant has not been reported in the literature in individuals with TTLL5-related conditions. This variant is not present in population databases (ExAC no frequency). This sequence change falls in intron 10 of the TTLL5 gene. It does not directly change the encoded amino acid sequence of the TTLL5 protein, but it affects a nucleotide within the consensus splice site of the intron.

Literature cited by the submitters: PubMed 17576681 (cited by Labcorp Genetics (formerly Invitae), Labcorp); PubMed 9536098 (cited by Labcorp Genetics (formerly Invitae), Labcorp).

NM_015072.5(TTLL5):c.842+4C>G

Gene: TTLL5 (tubulin tyrosine ligase like 5; plus strand). Cytogenetic location: 14q24.3.
Variant type: single nucleotide variant.
Coding change: c.842+4C>G on transcript NM_015072.5 (MANE Select); 4 bases into the intron after coding-DNA position 842, C replaced by G.
Molecular consequence: intron variant.
Genome position (GRCh38, 1-based): chr14:75,717,966, C>G. VCF-style: chr14-75717966-C-G. GRCh37 (hg19) VCF-style: chr14-76184309-C-G.
Identifiers: ClinVar variation 848172 (VCV000848172.8), dbSNP rs1018754407, ClinGen allele CA263689095.